The following is an entry in ClinVar:

NM_130837.3(OPA1):c.2760G>A (p.Arg920=)

Gene: OPA1 (OPA1 mitochondrial dynamin like GTPase; plus strand). Cytogenetic location: 3q29.
Variant type: single nucleotide variant.
Coding change: c.2760G>A on transcript NM_130837.3 (MANE Select); coding-DNA position 2760, G replaced by A.
Protein change: p.Arg920=; no amino-acid change (arginine 920 retained).
Molecular consequence: synonymous variant.
Genome position (GRCh38, 1-based): chr3:193,664,978, G>A. VCF-style: chr3-193664978-G-A. GRCh37 (hg19) VCF-style: chr3-193382767-G-A.
Other names: c.2226G>A, p.Arg742= (NM_001354663.2); c.2223G>A, p.Arg741= (NM_001354664.2); c.2595G>A, p.Arg865= (NM_015560.3); c.2487G>A, p.Arg829= (NM_130831.3); c.2541G>A, p.Arg847= (NM_130832.3); c.2598G>A, p.Arg866= (NM_130833.3); c.2649G>A, p.Arg883= (NM_130834.3); c.2652G>A, p.Arg884= (NM_130835.3); and 2 more.
Identifiers: ClinVar variation 731540 (VCV000731540.5), dbSNP rs1192362976, ClinGen allele CA437441821.

ClinVar aggregate classification (germline): Likely benign. Review status: criteria provided, multiple submitters, no conflicts (2 of 4 stars). 2 submissions from 2 submitters: Likely benign (2). Last evaluated 2026-05-26.

Conditions:
OPA1-related disorder. Also called: OPA1-related disorders; OPA1-related condition.

Allele frequency attached by ClinVar (database versions not stated): gnomAD 0.00001; TOPMed 0.00001.
gnomAD v4.1: 24 of 1,585,300 alleles (0.0015%); highest among the groups gnomAD compares: Non-Finnish European, 0.0021%; no homozygotes.

Submissions (2):

PreventionGenetics, part of Exact Sciences
Classification: Likely benign for OPA1-related condition. Last evaluated: 2026-05-26. Review status: criteria provided, single submitter. Criteria: ACMG Guidelines, 2015. Collection method: clinical testing. Allele origin: germline.
Comment: This variant is classified as likely benign based on ACMG/AMP sequence variant interpretation guidelines (Richards et al. 2015 PMID: 25741868, with internal and published modifications).

Labcorp Genetics (formerly Invitae), Labcorp
Classification: Likely benign. Last evaluated: 2025-10-23. Review status: criteria provided, single submitter. Criteria: Invitae Variant Classification Sherloc (09022015). Collection method: clinical testing. Allele origin: germline.